The following is an entry in ClinVar:

ClinVar aggregate classification (germline): Pathogenic (1 of 4 stars; one submission).

Conditions:
Multiple congenital exostosis (EXT). Also called: MULTIPLE CARTILAGINOUS EXOSTOSES; Hereditary multiple exostoses; Hereditary multiple exostosis; Hereditary multiple osteochondromas; Multiple osteochondromas; Multiple exostoses. Identifiers: Orphanet 321, MedGen C0015306, MONDO:0005508, HP:0002762.

Submission:

Labcorp Genetics (formerly Invitae), Labcorp
Classification: Pathogenic for Multiple congenital exostosis. Last evaluated: 2026-01-18. Review status: criteria provided, single submitter. Criteria: Invitae Variant Classification Sherloc (09022015). Collection method: clinical testing. Allele origin: germline.
Comment: This sequence change creates a premature translational stop signal (p.Trp68*) in the EXT1 gene. It is expected to result in an absent or disrupted protein product. Loss-of-function variants in EXT1 are known to be pathogenic (PMID: 10679937, 11391482, 19810120). This variant is not present in population databases (gnomAD no frequency). This premature translational stop signal has been observed in individual(s) with hereditary multiple exostoses (PMID: 9463333). For these reasons, this variant has been classified as Pathogenic.

Literature cited by the submitters: PubMed 10679937; PubMed 11391482; PubMed 19810120; PubMed 9463333.

NM_000127.3(EXT1):c.204G>A (p.Trp68Ter)

Gene: EXT1 (exostosin glycosyltransferase 1; minus strand). Cytogenetic location: 8q24.11.
Variant type: single nucleotide variant.
Coding change: c.204G>A on transcript NM_000127.3 (MANE Select); coding-DNA position 204, G replaced by A.
Protein change: p.Trp68Ter; replaces tryptophan 68 with a stop codon.
Molecular consequence: nonsense.
Genome position (GRCh38, 1-based): chr8:118,110,843, C>T on the plus strand (G>A on the coding strand, the complement: EXT1 is on the minus strand). VCF-style: chr8-118110843-C-T. GRCh37 (hg19) VCF-style: chr8-119123082-C-T.
Other names: short protein forms W68*.
Identifiers: ClinVar variation 4709658 (VCV004709658.1).
Genomic context (GRCh38, chr8:118,110,843, plus strand): 5'-GGCATCTCGCTTCTGCCGGGGGGAAATGTGCACGCTGGAATCCTCGTTTTCCAATTGATC[C>T]CAAGGAACGAAGGGGCGCAGAGCGTCCGGGAAGCGGGGCCAGAAATGATCCGGACTGGGG-3'